The following is an entry in ClinVar:

ClinVar aggregate classification (germline): Likely benign. Review status: criteria provided, multiple submitters, no conflicts (2 of 4 stars). 2 submissions from 2 submitters: Likely benign (2). Last evaluated 2025-10-22.

Conditions:
DVL1-related disorder. Also called: DVL1-related condition.

Allele frequency attached by ClinVar (database versions not stated): TOPMed 0.00002; gnomAD 0.00003; ESP Exome Variant Server 0.00008; gnomAD exomes 0.00009.
gnomAD v4.1: 124 of 1,591,356 alleles (0.0078%); highest among the groups gnomAD compares: Non-Finnish European, 0.011%; no homozygotes.

Submissions (2):

Labcorp Genetics (formerly Invitae), Labcorp
Classification: Likely benign. Last evaluated: 2025-10-22. Review status: criteria provided, single submitter. Criteria: Invitae Variant Classification Sherloc (09022015). Collection method: clinical testing. Allele origin: germline.

PreventionGenetics, part of Exact Sciences
Classification: Likely benign for DVL1-related condition. Last evaluated: 2025-09-23. Review status: criteria provided, single submitter. Criteria: ACMG Guidelines, 2015. Collection method: clinical testing. Allele origin: germline.
Comment: This variant is classified as likely benign based on ACMG/AMP sequence variant interpretation guidelines (Richards et al. 2015 PMID: 25741868, with internal and published modifications).

NM_001330311.2(DVL1):c.399C>T (p.Asn133=)

Gene: DVL1 (dishevelled segment polarity protein 1; minus strand). Cytogenetic location: 1p36.33.
Variant type: single nucleotide variant.
Coding change: c.399C>T on transcript NM_001330311.2 (MANE Select); coding-DNA position 399, C replaced by T.
Protein change: p.Asn133=; no amino-acid change (asparagine 133 retained).
Molecular consequence: synonymous variant.
Genome position (GRCh38, 1-based): chr1:1,342,120, G>A on the plus strand (C>T on the coding strand, the complement: DVL1 is on the minus strand). VCF-style: chr1-1342120-G-A. GRCh37 (hg19) VCF-style: chr1-1277500-G-A.
Other names: c.399C>T, p.Asn133= (NM_004421.3).
Identifiers: ClinVar variation 725905 (VCV000725905.8), dbSNP rs377006847, ClinGen allele CA520703.
Genomic context (GRCh38, chr1:1,342,120, plus strand): 5'-GCGGTTCCGGCGTCGGGCACGCTCCCGCCGGTGACTGACCATGGACTCCGTGCCTGTCTC[G>A]TTGTCCATCCCGTCACGGCTGCTGGCCACATTTGGGCTGTGCAACAAGAGCAGGGTGGGT-3'
Protein context (NP_001317240.1, residues 123-143): NVASSRDGMD[Asn133=]ETGTESMVSH